The following is an entry in ClinVar:

ClinVar aggregate classification (germline): Uncertain significance (1 of 4 stars; one submission).

Conditions:
SEMA3B-related disorder. Also called: SEMA3B-related condition.

gnomAD v4.1: 41 of 1,613,704 alleles (0.0025%); highest among the groups gnomAD compares: East Asian, 0.069%; no homozygotes.

Submissions (3):

PreventionGenetics, part of Exact Sciences
Classification: Uncertain significance for SEMA3B-related condition. Last evaluated: 2025-05-13. Review status: criteria provided, single submitter. Criteria: ACMG Guidelines, 2015. Collection method: clinical testing. Allele origin: germline.
Comment: The SEMA3B c.1720+1G>A variant is predicted to disrupt the GT donor site and interfere with normal splicing. To our knowledge, this variant has not been reported in the literature. This variant is reported in 0.00089% of alleles in individuals of European (Non-Finnish) descent in gnomAD. At this time, the clinical significance of this variant is uncertain due to the absence of conclusive functional and genetic evidence.

Dr. Peter K. Rogan Lab, Western University
No classification provided (evidence only). Condition: Hepatocellular carcinoma. Review status: no classification provided. Collection method: in vitro. Allele origin: not applicable. Functional consequence: retained intron. Not counted in ClinVar's aggregate classification.

Dr. Peter K. Rogan Lab, Western University
No classification provided (evidence only). Condition: Ovarian serous cystadenocarcinoma. Review status: no classification provided. Collection method: in vitro. Allele origin: not applicable. Functional consequence: retained intron. Not counted in ClinVar's aggregate classification.

NM_001290060.2(SEMA3B):c.1705+1G>A

Gene: SEMA3B (semaphorin 3B; plus strand). Cytogenetic location: 3p21.31.
Variant type: single nucleotide variant.
Coding change: c.1705+1G>A on transcript NM_001290060.2 (MANE Select); the canonical splice donor site of the intron after coding-DNA position 1705, G replaced by A.
Molecular consequence: splice donor variant.
Genome position (GRCh38, 1-based): chr3:50,275,616, G>A. VCF-style: chr3-50275616-G-A. GRCh37 (hg19) VCF-style: chr3-50313047-G-A.
Other names: NC_000003.11:g.50313047G>A; c.1702+1G>A (NM_001435958.1, NM_001435957.1, NM_001005914.3); c.1705+1G>A (NM_001435956.1, NM_004636.4); c.1720+1G>A (NM_001290061.1); c.676+1G>A (NM_001290062.2, NM_001290063.2).
Identifiers: ClinVar variation 4298156 (VCV004298156.2).